The following is an entry in ClinVar:

NM_003412.4(ZIC1):c.1136A>G (p.Lys379Arg)

Gene: ZIC1 (Zic family zinc finger 1; plus strand). Cytogenetic location: 3q24.
Variant type: single nucleotide variant.
Coding change: c.1136A>G on transcript NM_003412.4 (MANE Select); coding-DNA position 1136, A replaced by G.
Protein change: p.Lys379Arg; replaces lysine 379 with arginine.
Molecular consequence: missense variant.
Genome position (GRCh38, 1-based): chr3:147,412,671, A>G. VCF-style: chr3-147412671-A-G. GRCh37 (hg19) VCF-style: chr3-147130458-A-G.
Other names: short protein forms K379R.
Identifiers: ClinVar variation 4532604 (VCV004532604.1).

ClinVar aggregate classification (germline): Uncertain significance (1 of 4 stars; one submission).

Submission:

GeneDx
Classification: Uncertain significance. Last evaluated: 2025-05-27. Review status: criteria provided, single submitter. Criteria: GeneDx Variant Classification Process June 2021. Collection method: clinical testing. Allele origin: germline. Affected: yes.
Comment: Not observed at significant frequency in large population cohorts (gnomAD); In silico analysis supports that this missense variant has a deleterious effect on protein structure/function; Has not been previously published as pathogenic or benign to our knowledge.